The following is an entry in ClinVar:

NM_000492.4(CFTR):c.489+2T>G

Gene: CFTR (CF transmembrane conductance regulator; plus strand). Cytogenetic location: 7q31.2.
Variant type: single nucleotide variant.
Coding change: c.489+2T>G on transcript NM_000492.4 (MANE Select); the canonical splice donor site of the intron after coding-DNA position 489, T replaced by G.
Molecular consequence: splice donor variant.
Genome position (GRCh38, 1-based): chr7:117,531,116, T>G. VCF-style: chr7-117531116-T-G. GRCh37 (hg19) VCF-style: chr7-117171170-T-G.
Identifiers: ClinVar variation 53970 (VCV000053970.8), dbSNP rs397508732, ClinGen allele CA327528.

ClinVar aggregate classification (germline): Pathogenic. Review status: criteria provided, multiple submitters, no conflicts (2 of 4 stars). 3 submissions from 3 submitters: Pathogenic (2). 1 of the submissions does not count toward it. Last evaluated 2022-08-22.

Conditions:
Cystic fibrosis (CF). Also called: MUCOVISCIDOSIS. Identifiers: Orphanet 586, MedGen C0010674, MONDO:0009061, OMIM 219700. Disease mechanism: loss of function.

Submissions (3):

Labcorp Genetics (formerly Invitae), Labcorp
Classification: Pathogenic for Cystic fibrosis. Last evaluated: 2022-08-22. Review status: criteria provided, single submitter. Criteria: Invitae Variant Classification Sherloc (09022015). Collection method: clinical testing. Allele origin: germline.
Comment: For these reasons, this variant has been classified as Pathogenic. Algorithms developed to predict the effect of sequence changes on RNA splicing suggest that this variant may disrupt the consensus splice site. ClinVar contains an entry for this variant (Variation ID: 53970). This variant is also known as c.621+2T>G. Disruption of this splice site has been observed in individuals with cystic fibrosis (PMID: 7691344, 9482579, 23974870). This variant is not present in population databases (gnomAD no frequency). This sequence change affects a donor splice site in intron 4 of the CFTR gene. It is expected to disrupt RNA splicing. Variants that disrupt the donor or acceptor splice site typically lead to a loss of protein function (PMID: 16199547), and loss-of-function variants in CFTR are known to be pathogenic (PMID: 1695717, 7691345, 9725922).

CFTR-France
Classification: Pathogenic for cystic fibrosis. Last evaluated: 2018-01-29. Review status: criteria provided, single submitter. Criteria: Claustres M et al. (Hum Mutat 2017). Collection method: curation. Allele origin: germline. Affected: yes.

ClinVar Staff, National Center for Biotechnology Information (NCBI)
No classification provided. Condition: CFTR-related disorders. Review status: no classification provided. Collection method: literature only. Allele origin: germline. Affected: yes. Not counted in ClinVar's aggregate classification.

Literature cited by the submitters: PubMed 7691344 (cited by Labcorp Genetics (formerly Invitae), Labcorp); PubMed 9482579 (cited by Labcorp Genetics (formerly Invitae), Labcorp); PubMed 23974870 (cited by Labcorp Genetics (formerly Invitae), Labcorp); PubMed 16199547 (cited by Labcorp Genetics (formerly Invitae), Labcorp); PubMed 1695717 (cited by Labcorp Genetics (formerly Invitae), Labcorp); PubMed 7691345 (cited by Labcorp Genetics (formerly Invitae), Labcorp); PubMed 9725922 (cited by Labcorp Genetics (formerly Invitae), Labcorp); PubMed 15698946 (cited by ClinVar Staff, National Center for Biotechnology Information (NCBI)).